The following is an entry in ClinVar:

ClinVar aggregate classification (germline): Benign. Review status: criteria provided, multiple submitters, no conflicts (2 of 4 stars). 3 submissions from 3 submitters: Benign (3). Last evaluated 2026-03-01.

Allele frequency attached by ClinVar (database versions not stated): TOPMed 0.00261; 1000 Genomes Project 0.00080; 1000 Genomes Project 30x 0.00094; ESP Exome Variant Server 0.00254.
gnomAD v4.1: 5,271 of 1,611,056 alleles (0.33%); highest among the groups gnomAD compares: Middle Eastern, 1.8%; 22 homozygotes.

Submissions (3):

CeGaT Center for Human Genetics Tuebingen
Classification: Benign. Last evaluated: 2026-03-01. Review status: criteria provided, single submitter. Criteria: CeGaT Center For Human Genetics Tuebingen Variant Classification Criteria Version 2. Collection method: clinical testing. Allele origin: germline. Affected: yes. Observed: 11 variant alleles.
Comment: TNR: BP4, BS1, BS2

Labcorp Genetics (formerly Invitae), Labcorp
Classification: Benign. Last evaluated: 2019-12-31. Review status: criteria provided, single submitter. Criteria: Invitae Variant Classification Sherloc (09022015). Collection method: clinical testing. Allele origin: germline.

Breakthrough Genomics
Classification: Benign. Review status: criteria provided, single submitter. Criteria: ACMG Guidelines, 2015. Collection method: not provided. Allele origin: germline. Inheritance: Autosomal recessive inheritance. Affected: yes.

NM_003285.3(TNR):c.3754C>T (p.Leu1252=)

Gene: TNR (tenascin R; minus strand). Cytogenetic location: 1q25.1.
Variant type: single nucleotide variant.
Coding change: c.3754C>T on transcript NM_003285.3 (MANE Select); coding-DNA position 3754, C replaced by T.
Protein change: p.Leu1252=; no amino-acid change (leucine 1252 retained).
Molecular consequence: synonymous variant.
Genome position (GRCh38, 1-based): chr1:175,330,113, G>A on the plus strand (C>T on the coding strand, the complement: TNR is on the minus strand). VCF-style: chr1-175330113-G-A. GRCh37 (hg19) VCF-style: chr1-175299249-G-A.
Other names: c.2755C>T, p.Leu919= (NM_001328635.2).
Identifiers: ClinVar variation 708860 (VCV000708860.29), dbSNP rs35421365, ClinGen allele CA1255229.
Genomic context (GRCh38, chr1:175,330,113, plus strand): 5'-CTGCTCAGGAGCCATAGGTACCCGCAGTGCCGTTGTAGCTTCCTATGCGGAGTTTGTACA[G>A]GTTTCTGCTGTCCTCGACAGAGAACCTGTCGTAGGAGGCGAAGGCGGCCTCTTGGCCATC-3'
Protein context (NP_003276.3, residues 1242-1262): DRFSVEDSRN[Leu1252=]YKLRIGSYNG